The following is an entry in ClinVar:

ClinVar aggregate classification (germline): Uncertain significance (1 of 4 stars; one submission).

gnomAD v4.1: 8 of 1,613,936 alleles (0.0005%); highest among the groups gnomAD compares: Middle Eastern, 0.016%; no homozygotes.

Submission:

Labcorp Genetics (formerly Invitae), Labcorp
Classification: Uncertain significance. Last evaluated: 2024-11-14. Review status: criteria provided, single submitter. Criteria: Invitae Variant Classification Sherloc (09022015). Collection method: clinical testing. Allele origin: germline.
Comment: This sequence change replaces alanine, which is neutral and non-polar, with threonine, which is neutral and polar, at codon 779 of the GRM1 protein (p.Ala779Thr). The frequency data for this variant in the population databases is considered unreliable, as metrics indicate poor data quality at this position in the gnomAD database. This variant has not been reported in the literature in individuals affected with GRM1-related conditions. An algorithm developed to predict the effect of missense changes on protein structure and function (PolyPhen-2) suggests that this variant is likely to be disruptive. In summary, the available evidence is currently insufficient to determine the role of this variant in disease. Therefore, it has been classified as a Variant of Uncertain Significance.

NM_001278064.2(GRM1):c.2335G>A (p.Ala779Thr)

Gene: GRM1 (glutamate metabotropic receptor 1; plus strand). Cytogenetic location: 6q24.3.
Variant type: single nucleotide variant.
Coding change: c.2335G>A on transcript NM_001278064.2 (MANE Select); coding-DNA position 2335, G replaced by A.
Protein change: p.Ala779Thr; replaces alanine 779 with threonine.
Molecular consequence: missense variant.
Genome position (GRCh38, 1-based): chr6:146,399,374, G>A. VCF-style: chr6-146399374-G-A. GRCh37 (hg19) VCF-style: chr6-146720510-G-A.
Other names: c.2335G>A, p.Ala779Thr (NM_001278065.2, NM_001278066.1, NM_001278067.1); short protein forms A779T.
Identifiers: ClinVar variation 3709707 (VCV003709707.2).